The following is an entry in ClinVar:

NM_001258392.3(CLPB):c.1100A>G (p.Tyr367Cys)

Gene: CLPB (ClpB family mitochondrial disaggregase; minus strand). Cytogenetic location: 11q13.4.
Variant type: single nucleotide variant.
Coding change: c.1100A>G on transcript NM_001258392.3 (MANE Select); coding-DNA position 1100, A replaced by G.
Protein change: p.Tyr367Cys; replaces tyrosine 367 with cysteine.
Molecular consequence: missense variant.
Genome position (GRCh38, 1-based): chr11:72,307,221, T>C on the plus strand (A>G on the coding strand, the complement: CLPB is on the minus strand). VCF-style: chr11-72307221-T-C. GRCh37 (hg19) VCF-style: chr11-72018265-T-C.
Other names: c.1013A>G, p.Tyr338Cys (NM_001258393.3); c.1055A>G, p.Tyr352Cys (NM_001258394.3); c.1190A>G, p.Tyr397Cys (NM_030813.6); short protein forms Y338C, Y352C, Y367C, Y397C.
Identifiers: ClinVar variation 3365663 (VCV003365663.1).

ClinVar aggregate classification (germline): Uncertain significance (1 of 4 stars; one submission).

Submission:

GeneDx
Classification: Uncertain significance. Last evaluated: 2023-12-12. Review status: criteria provided, single submitter. Criteria: GeneDx Variant Classification Process June 2021. Collection method: clinical testing. Allele origin: germline. Affected: yes.
Comment: Not observed at significant frequency in large population cohorts (gnomAD); In silico analysis supports that this missense variant has a deleterious effect on protein structure/function; Has not been previously published as pathogenic or benign to our knowledge